The following is an entry in ClinVar:

ClinVar aggregate classification (germline): Uncertain significance (1 of 4 stars; one submission).

Conditions:
Nemaline myopathy 2 (NEM2). Also called: Nemaline myopathy 2, autosomal recessive. Identifiers: MedGen C1850569, MONDO:0009725, OMIM 256030.

gnomAD v4.1: 1 of 1,610,448 alleles (0.000062%); highest among the groups gnomAD compares: Non-Finnish European, 0.000085%; no homozygotes.

Submission:

Labcorp Genetics (formerly Invitae), Labcorp
Classification: Uncertain significance for Nemaline myopathy 2. Last evaluated: 2016-09-30. Review status: criteria provided, single submitter. Criteria: Invitae Variant Classification Sherloc (09022015). Collection method: clinical testing. Allele origin: germline.
Comment: In summary, this variant is a novel missense change that is not predicted to affect protein function. There is no indication that it causes disease, but the available evidence is currently insufficient to prove that conclusively. Therefore, it has been classified as a Variant of Uncertain Significance. Algorithms developed to predict the effect of missense changes on protein structure and function (SIFT, Align-GVGD) suggest that this variant is likely to be tolerated, but these predictions have not been confirmed by published functional studies. This variant is not present in population databases (ExAC no frequency) and has not been reported in the literature in individuals with a NEB-related disease. This sequence change replaces glycine with serine at codon 6166 of the NEB protein (p.Gly6166Ser). The glycine residue is moderately conserved and there is a small physicochemical difference between glycine and serine.

NM_001164508.2(NEB):c.18496G>A (p.Gly6166Ser)

Gene: NEB (nebulin; minus strand). Cytogenetic location: 2q23.3.
Variant type: single nucleotide variant.
Coding change: c.18496G>A on transcript NM_001164508.2 (MANE Select); coding-DNA position 18496, G replaced by A.
Protein change: p.Gly6166Ser; replaces glycine 6166 with serine.
Molecular consequence: missense variant.
Genome position (GRCh38, 1-based): chr2:151,563,906, C>T on the plus strand (G>A on the coding strand, the complement: NEB is on the minus strand). VCF-style: chr2-151563906-C-T. GRCh37 (hg19) VCF-style: chr2-152420420-C-T.
Other names: c.18496G>A, p.Gly6166Ser (NM_001164507.2, NM_001271208.2); c.13393G>A, p.Gly4465Ser (NM_004543.5); short protein forms G6166S, G4465S.
Identifiers: ClinVar variation 465519 (VCV000465519.6), dbSNP rs1239862833, ClinGen allele CA348800385.
Genomic context (GRCh38, chr2:151,563,906, plus strand): 5'-GCTTGGCTCCAACAATGGGAATGTAGCGCTCATCCAGGGTGTAGCCATAGGCCTTGGTGC[C>T]CTCCCACGCCCCTTTATACAGTATCTAGAACAAAGAAATACATGGCAACAAAAGTTTTCT-3'
Protein context (NP_001157980.2, residues 6156-6176): STILYKGAWE[Gly6166Ser]TKAYGYTLDE